The following is an entry in ClinVar:

ClinVar aggregate classification (germline): Pathogenic. Review status: reviewed by expert panel (3 of 4 stars). 9 submissions from 9 submitters: Pathogenic (1). 8 of the submissions do not count toward it. Last evaluated 2016-10-18.

Conditions:
Hereditary cancer-predisposing syndrome. Also called: Tumor predisposition; Hereditary Cancer Syndrome; Hereditary neoplastic syndrome; Neoplastic Syndromes, Hereditary. Identifiers: Orphanet 140162, MedGen C0027672, MeSH D009386, MONDO:0015356.
Hereditary breast ovarian cancer syndrome. Also called: Hereditary breast and ovarian cancer; Breast and ovarian cancer; BRCA1- and BRCA2-Associated Hereditary Breast and Ovarian Cancer; Hereditary breast and ovarian cancer syndrome; Hereditary breast and ovarian cancer syndrome (HBOC); Hereditary breast and/or ovarian cancer syndrome. Identifiers: Orphanet 145, MedGen C0677776, MeSH D061325, MONDO:0003582. Disease mechanism: loss of function.
Familial cancer of breast. Also called: hereditary breast carcinoma; BREAST CANCER, FAMILIAL; Hereditary breast cancer. Identifiers: Orphanet 227535, MedGen C0346153, MONDO:0016419, OMIM 114480. Disease mechanism: loss of function.
Breast-ovarian cancer, familial, susceptibility to, 2 (BROVCA2). Also called: BRCA2 Hereditary Breast and Ovarian Cancer. Identifiers: Orphanet 145, MedGen C2675520, MONDO:0012933, OMIM 612555. Disease mechanism: loss of function.

Allele frequency attached by ClinVar (database versions not stated): TOPMed below 0.00001.

Submissions (9):

Evidence-based Network for the Interpretation of Germline Mutant Alleles (ENIGMA)
Classification: Pathogenic for Breast-ovarian cancer, familial, susceptibility to, 2. Last evaluated: 2016-10-18. Review status: reviewed by expert panel. Criteria: ENIGMA BRCA1/2 Classification Criteria (2015). Collection method: curation. Allele origin: germline.
Comment: Variant allele predicted to encode a truncated non-functional protein.

Labcorp Genetics (formerly Invitae), Labcorp
Classification: Pathogenic for Hereditary breast ovarian cancer syndrome. Last evaluated: 2025-08-11. Review status: criteria provided, single submitter. Criteria: Invitae Variant Classification Sherloc (09022015). Collection method: clinical testing. Allele origin: germline. Not counted in ClinVar's aggregate classification.
Comment: This sequence change creates a premature translational stop signal (p.Gln2456*) in the BRCA2 gene. It is expected to result in an absent or disrupted protein product. Loss-of-function variants in BRCA2 are known to be pathogenic (PMID: 20104584). This variant is not present in population databases (gnomAD no frequency). This premature translational stop signal has been observed in individual(s) with BRCA2-related conditions (PMID: 21520333). ClinVar contains an entry for this variant (Variation ID: 233359). Algorithms developed to predict the effect of sequence changes on RNA splicing suggest that this variant may disrupt the consensus splice site. For these reasons, this variant has been classified as Pathogenic.

Ambry Genetics
Classification: Pathogenic for Hereditary cancer-predisposing syndrome. Last evaluated: 2024-11-29. Review status: criteria provided, single submitter. Criteria: Ambry Variant Classification Scheme 2023. Collection method: clinical testing. Allele origin: germline. Not counted in ClinVar's aggregate classification.
Comment: The p.Q2456* pathogenic mutation (also known as c.7366C>T), located in coding exon 13 of the BRCA2 gene, results from a C to T substitution at nucleotide position 7366. This changes the amino acid from a glutamine to a stop codon within coding exon 13. This alteration was identified in a large, worldwide study of BRCA1/2 mutation positive families (Rebbeck TR et al. Hum Mutat, 2018 05;39:593-620) and in a cohort of over 25,000 individuals who underwent multigene panel testing (eMERGE Consortium. Am J Hum Genet, 2019 09;105:588-605). This variant is considered to be rare based on population cohorts in the Genome Aggregation Database (gnomAD). In addition to the clinical data presented in the literature, this alteration is expected to result in loss of function by premature protein truncation or nonsense-mediated mRNA decay. As such, this alteration is interpreted as a disease-causing mutation.

Revvity Omics, Revvity
Classification: Likely pathogenic. Last evaluated: 2023-09-06. Review status: criteria provided, single submitter. Criteria: ACMG Guidelines, 2015. Collection method: clinical testing. Allele origin: germline. Not counted in ClinVar's aggregate classification.

Baylor Genetics
Classification: Pathogenic for Familial cancer of breast. Last evaluated: 2023-06-15. Review status: criteria provided, single submitter. Criteria: ACMG Guidelines, 2015. Collection method: clinical testing. Allele origin: unknown. Not counted in ClinVar's aggregate classification.

Women's Health and Genetics/Laboratory Corporation of America, LabCorp
Classification: Pathogenic for Hereditary breast and ovarian cancer syndrome. Last evaluated: 2019-06-10. Review status: criteria provided, single submitter. Criteria: LabCorp Variant Classification Summary - May 2015. Collection method: clinical testing. Allele origin: germline. Not counted in ClinVar's aggregate classification.
Comment: Variant summary: BRCA2 c.7366C>T (p.Gln2456X) results in a premature termination codon, predicted to cause a truncation of the encoded protein or absence of the protein due to nonsense mediated decay, which are commonly known mechanisms for disease. Truncations downstream of this position have been classified as pathogenic by our laboratory (e.g. c.7379_7380insG (p.Asn2460fsX15), c.7419_7420delTG (p.Cys2473X), c.7480C>T (p.Arg2494X)). The variant was absent in 251108 control chromosomes (gnomAD). c.7366C>T has been reported in the literature in individuals affected with Hereditary Breast and Ovarian Cancer (Rebbeck_2018). To our knowledge, no experimental evidence demonstrating an impact on protein function has been reported. Five other submitters, including one expert panel (ENIGMA) have provided clinical-significance assessments for this variant in ClinVar after 2014, and classified the variant as pathogenic (4x; including the expert panel) or likely pathogenic (1x). Based on the evidence outlined above, the variant was classified as pathogenic.

Human Genome Sequencing Center Clinical Lab, Baylor College of Medicine
Classification: Pathogenic for Familial breast-ovarian cancer 2. Last evaluated: 2018-10-08. Review status: criteria provided, single submitter. Criteria: ACMG Guidelines, 2015. Collection method: clinical testing. Allele origin: germline. Not counted in ClinVar's aggregate classification.
Comment: The c.7366C>T (p.Glu2456*) variant in the BRCA2 gene is predicted to introduce a premature translation termination codon, which is predicted to result in nonsense-mediated mRNA decay, which has been reported as the disease causing mechanism of BRCA2 related disorders [PMID: 20104584]. This variant is absent from large databases of genetic variation in the general population. Therefore, the c.7366C>T (p.Glu2456*) variant in the BRCA2 gene is classified as pathogenic.

Consortium of Investigators of Modifiers of BRCA1/2 (CIMBA), c/o University of Cambridge
Classification: Pathogenic for Breast-ovarian cancer, familial, susceptibility to, 2. Last evaluated: 2015-10-02. Review status: criteria provided, single submitter. Criteria: CIMBA Mutation Classification guidelines May 2016. Collection method: clinical testing. Allele origin: germline. Not counted in ClinVar's aggregate classification.

Counsyl
Classification: Likely pathogenic for Breast-ovarian cancer, familial, susceptibility to, 2. Last evaluated: 2017-02-10. Review status: no assertion criteria provided. Collection method: clinical testing. Allele origin: unknown. Not counted in ClinVar's aggregate classification.

Literature cited by the submitters: PubMed 20104584 (cited by Labcorp Genetics (formerly Invitae), Labcorp); PubMed 21520333 (cited by Labcorp Genetics (formerly Invitae), Labcorp); PubMed 29446198 (cited by Ambry Genetics and Women's Health and Genetics/Laboratory Corporation of America, LabCorp); PubMed 31447099 (cited by Ambry Genetics).

NM_000059.4(BRCA2):c.7366C>T (p.Gln2456Ter)

Gene: BRCA2 (BRCA2 DNA repair associated; plus strand). Cytogenetic location: 13q13.1.
Variant type: single nucleotide variant.
Coding change: c.7366C>T on transcript NM_000059.4 (MANE Select); coding-DNA position 7366, C replaced by T.
Protein change: p.Gln2456Ter; replaces glutamine 2456 with a stop codon.
Molecular consequence: nonsense.
Genome position (GRCh38, 1-based): chr13:32,355,219, C>T. VCF-style: chr13-32355219-C-T. GRCh37 (hg19) VCF-style: chr13-32929356-C-T.
Other names: 7594C>T(Q2456X); short protein forms Q2456*.
Identifiers: ClinVar variation 233359 (VCV000233359.25), dbSNP rs397507912, ClinGen allele CA10579735.